The following is an entry in ClinVar:

NM_003073.5(SMARCB1):c.648G>A (p.Glu216=)

Gene: SMARCB1 (SWI/SNF related BAF chromatin remodeling complex subunit B1; plus strand). Cytogenetic location: 22q11.23.
Variant type: single nucleotide variant.
Coding change: c.648G>A on transcript NM_003073.5 (MANE Select); coding-DNA position 648, G replaced by A.
Protein change: p.Glu216=; no amino-acid change (glutamic acid 216 retained).
Molecular consequence: synonymous variant.
Genome position (GRCh38, 1-based): chr22:23,816,789, G>A. VCF-style: chr22-23816789-G-A. GRCh37 (hg19) VCF-style: chr22-24158976-G-A.
Other names: c.621G>A, p.Glu207= (NM_001007468.3); c.675G>A, p.Glu225= (NM_001317946.2); c.702G>A, p.Glu234= (NM_001362877.2).
Identifiers: ClinVar variation 3798946 (VCV003798946.1).

ClinVar aggregate classification (germline): Uncertain significance (1 of 4 stars; one submission).

Conditions:
Hereditary cancer-predisposing syndrome. Also called: Neoplastic Syndromes, Hereditary; Hereditary Cancer Syndrome; Tumor predisposition; Hereditary neoplastic syndrome. Identifiers: Orphanet 140162, MedGen C0027672, MeSH D009386, MONDO:0015356.

Submission:

Ambry Genetics
Classification: Uncertain significance for Hereditary cancer-predisposing syndrome. Last evaluated: 2024-12-17. Review status: criteria provided, single submitter. Criteria: Ambry Variant Classification Scheme 2023. Collection method: clinical testing. Allele origin: germline.
Comment: The c.648G>A variant (also known as p.E216E), located in coding exon 6 of the SMARCB1 gene, results from a G to A substitution at nucleotide position 648. This nucleotide substitution does not change the amino acid at codon 216. This nucleotide position is not well conserved in available vertebrate species. In silico splice site analysis predicts that this alteration may weaken the native splice acceptor site and will result in the creation or strengthening of a novel splice acceptor site. Based on the available evidence, the clinical significance of this variant remains unclear.